The following is an entry in ClinVar:

NM_000283.4(PDE6B):c.1936C>T (p.Gln646Ter)

Gene: PDE6B (phosphodiesterase 6B; plus strand). Cytogenetic location: 4p16.3.
Variant type: single nucleotide variant.
Coding change: c.1936C>T on transcript NM_000283.4 (MANE Select); coding-DNA position 1936, C replaced by T.
Protein change: p.Gln646Ter; replaces glutamine 646 with a stop codon.
Molecular consequence: nonsense.
Genome position (GRCh38, 1-based): chr4:663,785, C>T. VCF-style: chr4-663785-C-T. GRCh37 (hg19) VCF-style: chr4-657574-C-T.
Other names: c.1936C>T (NM_000283.3); c.1936C>T, p.Gln646Ter (NM_001145291.2); c.1099C>T, p.Gln367Ter (NM_001145292.2, NM_001350154.3, NM_001379246.1 and 1 more transcripts); c.781C>T, p.Gln261Ter (NM_001350155.3); short protein forms Q261*, Q367*, Q646*.
Identifiers: ClinVar variation 2993307 (VCV002993307.5), dbSNP rs376438767, ClinGen allele CA91090252.

ClinVar aggregate classification (germline): Pathogenic/Likely pathogenic. Review status: criteria provided, multiple submitters, no conflicts (2 of 4 stars). 3 submissions from 3 submitters: Pathogenic (2); Likely pathogenic (1). Last evaluated 2025-12-31.

Conditions:
PDE6B-related disorder. Also called: PDE6B-related disorders; PDE6B-related disease; PDE6B-related condition.

Allele frequency attached by ClinVar (database versions not stated): TOPMed below 0.00001; gnomAD exomes 0.00001; ESP Exome Variant Server 0.00008.

Submissions (3):

PreventionGenetics, part of Exact Sciences
Classification: Pathogenic for PDE6B-related condition. Last evaluated: 2025-12-31. Review status: criteria provided, single submitter. Criteria: ACMG Guidelines, 2015. Collection method: clinical testing. Allele origin: germline.
Comment: The PDE6B c.1936C>T variant is predicted to result in premature protein termination (p.Gln646*). This variant has been reported in at least one individual with PDE6B-related retinal dystrophy (Table S1, Lin et al. 2024. PubMed ID: 38219857; Table S1, Hashem et al. 2024. PubMed ID: 38364953). This variant is reported in 0.00089% of alleles in individuals of European (non-Finnish) descent in gnomAD. Nonsense variants in PDE6B are expected to be pathogenic. This variant is interpreted as pathogenic.

Labcorp Genetics (formerly Invitae), Labcorp
Classification: Pathogenic. Last evaluated: 2024-12-09. Review status: criteria provided, single submitter. Criteria: Invitae Variant Classification Sherloc (09022015). Collection method: clinical testing. Allele origin: germline.
Comment: This sequence change creates a premature translational stop signal (p.Gln646*) in the PDE6B gene. It is expected to result in an absent or disrupted protein product. Loss-of-function variants in PDE6B are known to be pathogenic (PMID: 8394174, 8595886, 22334370). This variant is present in population databases (rs376438767, gnomAD 0.0009%). This variant has not been reported in the literature in individuals affected with PDE6B-related conditions. ClinVar contains an entry for this variant (Variation ID: 2993307). For these reasons, this variant has been classified as Pathogenic.

Blueprint Genetics
Classification: Likely pathogenic for PDE6B-related disorders. Last evaluated: 2019-11-04. Review status: criteria provided, single submitter. Criteria: ACMG Guidelines, 2015. Collection method: clinical testing. Allele origin: germline. Affected: yes. Observed: 1 variant allele.

Literature cited by the submitters: PubMed 8394174 (cited by Labcorp Genetics (formerly Invitae), Labcorp); PubMed 8595886 (cited by Labcorp Genetics (formerly Invitae), Labcorp); PubMed 22334370 (cited by Labcorp Genetics (formerly Invitae), Labcorp).